The following is an entry in ClinVar:

NM_138576.4(BCL11B):c.1695C>G (p.Asn565Lys)

Gene: BCL11B (BCL11 transcription factor B; minus strand). Cytogenetic location: 14q32.2.
Variant type: single nucleotide variant.
Coding change: c.1695C>G on transcript NM_138576.4 (MANE Select); coding-DNA position 1695, C replaced by G.
Protein change: p.Asn565Lys; replaces asparagine 565 with lysine.
Molecular consequence: missense variant.
Genome position (GRCh38, 1-based): chr14:99,175,141, G>C on the plus strand (C>G on the coding strand, the complement: BCL11B is on the minus strand). VCF-style: chr14-99175141-G-C. GRCh37 (hg19) VCF-style: chr14-99641478-G-C.
Other names: c.1692C>G, p.Asn564Lys (NM_001282237.2); c.1479C>G, p.Asn493Lys (NM_001282238.2); c.1482C>G, p.Asn494Lys (NM_022898.3); short protein forms N564K, N565K, N493K, N494K.
Identifiers: ClinVar variation 4746861 (VCV004746861.1).

ClinVar aggregate classification (germline): Uncertain significance (1 of 4 stars; one submission).

gnomAD v4.1: 1 of 1,596,286 alleles (0.000063%); highest among the groups gnomAD compares: South Asian, 0.0011%; no homozygotes.

Submission:

Labcorp Genetics (formerly Invitae), Labcorp
Classification: Uncertain significance. Last evaluated: 2025-11-26. Review status: criteria provided, single submitter. Criteria: Invitae Variant Classification Sherloc (09022015). Collection method: clinical testing. Allele origin: germline.
Comment: This sequence change replaces asparagine, which is neutral and polar, with lysine, which is basic and polar, at codon 565 of the BCL11B protein (p.Asn565Lys). This variant is not present in population databases (gnomAD no frequency). This variant has not been reported in the literature in individuals affected with BCL11B-related conditions. Invitae Evidence Modeling of protein sequence and biophysical properties (such as structural, functional, and spatial information, amino acid conservation, physicochemical variation, residue mobility, and thermodynamic stability) has been performed for this missense variant. However, the output from this modeling did not meet the statistical confidence thresholds required to predict the impact of this variant on BCL11B protein function. In summary, the available evidence is currently insufficient to determine the role of this variant in disease. Therefore, it has been classified as a Variant of Uncertain Significance.